The following is an entry in ClinVar:

ClinVar aggregate classification (germline): Conflicting classifications of pathogenicity. Review status: criteria provided, conflicting classifications (1 of 4 stars). 3 submissions from 3 submitters: Uncertain significance (1); Likely benign (2). Last evaluated 2026-02-01.

Conditions:
Inborn genetic diseases. Identifiers: MedGen C0950123, MeSH D030342.

Allele frequency attached by ClinVar (database versions not stated): TOPMed 0.00003; gnomAD 0.00004; gnomAD exomes 0.00008; ExAC 0.00012.
gnomAD v4.1: 129 of 1,613,982 alleles (0.008%); highest among the groups gnomAD compares: South Asian, 0.12%; 2 homozygotes.

Submissions (3):

CeGaT Center for Human Genetics Tuebingen
Classification: Likely benign. Last evaluated: 2026-02-01. Review status: criteria provided, single submitter. Criteria: CeGaT Center For Human Genetics Tuebingen Variant Classification Criteria Version 2. Collection method: clinical testing. Allele origin: germline. Affected: yes. Observed: 1 variant allele.
Comment: ATP8B1: PP2, BP4, BS1:Supporting

Labcorp Genetics (formerly Invitae), Labcorp
Classification: Likely benign. Last evaluated: 2026-02-01. Review status: criteria provided, single submitter. Criteria: Invitae Variant Classification Sherloc (09022015). Collection method: clinical testing. Allele origin: germline.

Ambry Genetics
Classification: Uncertain significance for Inborn genetic diseases. Last evaluated: 2025-09-09. Review status: criteria provided, single submitter. Criteria: Ambry Variant Classification Scheme 2023. Collection method: clinical testing. Allele origin: germline.

NM_001374385.1(ATP8B1):c.3041G>A (p.Arg1014Gln)

Genes: ATP8B1 (ATPase phospholipid transporting 8B1; minus strand), ATP8B1-AS1 (ATP8B1 antisense RNA 1; plus strand). Cytogenetic location: 18q21.31.
Variant type: single nucleotide variant.
Coding change: c.3041G>A on transcript NM_001374385.1 (MANE Select); coding-DNA position 3041, G replaced by A.
Protein change: p.Arg1014Gln; replaces arginine 1014 with glutamine.
Molecular consequence: missense variant.
Genome position (GRCh38, 1-based): chr18:57,652,704, C>T on the plus strand (G>A on the coding strand, the complement: ATP8B1 is on the minus strand). VCF-style: chr18-57652704-C-T. GRCh37 (hg19) VCF-style: chr18-55319936-C-T.
Other names: c.3041G>A, p.Arg1014Gln (NM_005603.6); c.3041G>A (NM_005603.4); c.2891G>A, p.Arg964Gln (NM_001374386.1); short protein forms R1014Q, R964Q.
Identifiers: ClinVar variation 2889427 (VCV002889427.8), dbSNP rs756828618, ClinGen allele CA8974085.